The following is an entry in ClinVar:

NM_001142800.2(EYS):c.2614G>A (p.Ala872Thr)

Gene: EYS (EGF-like photoreceptor maintenance factor; minus strand). Cytogenetic location: 6q12.
Variant type: single nucleotide variant.
Coding change: c.2614G>A on transcript NM_001142800.2 (MANE Select); coding-DNA position 2614, G replaced by A.
Protein change: p.Ala872Thr; replaces alanine 872 with threonine.
Molecular consequence: missense variant.
Genome position (GRCh38, 1-based): chr6:64,912,511, C>T on the plus strand (G>A on the coding strand, the complement: EYS is on the minus strand). VCF-style: chr6-64912511-C-T. GRCh37 (hg19) VCF-style: chr6-65622404-C-T.
Other names: c.2614G>A, p.Ala872Thr (NM_001292009.2); c.2614G>A (NM_001142800.1); short protein forms A872T.
Identifiers: ClinVar variation 2142230 (VCV002142230.2), dbSNP rs957725168, ClinGen allele CA140380269.
Genomic context (GRCh38, chr6:64,912,511, plus strand): 5'-TTTAAAAACAATAAAATCCATATTAGCTCTTACCTTCTCTACAAATACAATGCTGATTTG[C>T]GTCTACCAAAGCTAAGCATGTTGAGTTGTTTCTGCAAGGGTTATGAAGTAGGTCACAAAG-3'
Protein context (NP_001136272.1, residues 862-882): NNSTCLALVD[Ala872Thr]NQHCICREEF

ClinVar aggregate classification (germline): Uncertain significance. Review status: criteria provided, multiple submitters, no conflicts (2 of 4 stars). 2 submissions from 2 submitters: Uncertain significance (2). Last evaluated 2025-07-10.

Conditions:
EYS-related disorder. Also called: EYS-related condition.

Allele frequency attached by ClinVar (database versions not stated): gnomAD 0.00009; 1000 Genomes Project 30x 0.00016.
gnomAD v4.1: 49 of 1,551,024 alleles (0.0032%); highest among the groups gnomAD compares: Admixed American, 0.061%; no homozygotes.

Submissions (2):

PreventionGenetics, part of Exact Sciences
Classification: Uncertain significance for EYS-related condition. Last evaluated: 2025-07-10. Review status: criteria provided, single submitter. Criteria: ACMG Guidelines, 2015. Collection method: clinical testing. Allele origin: germline.
Comment: The EYS c.2614G>A variant is predicted to result in the amino acid substitution p.Ala872Thr. To our knowledge, this variant has not been reported in the literature. This variant is reported in 0.043% of alleles in individuals of Latino descent in gnomAD. At this time, the clinical significance of this variant is uncertain due to the absence of conclusive functional and genetic evidence.

Labcorp Genetics (formerly Invitae), Labcorp
Classification: Uncertain significance. Last evaluated: 2022-06-13. Review status: criteria provided, single submitter. Criteria: Invitae Variant Classification Sherloc (09022015). Collection method: clinical testing. Allele origin: germline.
Comment: This sequence change replaces alanine, which is neutral and non-polar, with threonine, which is neutral and polar, at codon 872 of the EYS protein (p.Ala872Thr). This variant is present in population databases (no rsID available, gnomAD 0.04%). This variant has not been reported in the literature in individuals affected with EYS-related conditions. Algorithms developed to predict the effect of missense changes on protein structure and function are either unavailable or do not agree on the potential impact of this missense change (SIFT: "Deleterious"; PolyPhen-2: "Benign"; Align-GVGD: "Class C0"). In summary, the available evidence is currently insufficient to determine the role of this variant in disease. Therefore, it has been classified as a Variant of Uncertain Significance.